The following is an entry in ClinVar:

NM_004360.5(CDH1):c.369C>G (p.His123Gln)

Gene: CDH1 (cadherin 1; plus strand). Cytogenetic location: 16q22.1.
Variant type: single nucleotide variant.
Coding change: c.369C>G on transcript NM_004360.5 (MANE Select); coding-DNA position 369, C replaced by G.
Protein change: p.His123Gln; replaces histidine 123 with glutamine.
Molecular consequence: missense variant. On other transcripts: 5 prime UTR variant (2).
Genome position (GRCh38, 1-based): chr16:68,801,875, C>G. VCF-style: chr16-68801875-C-G. GRCh37 (hg19) VCF-style: chr16-68835778-C-G.
Other names: c.369C>G, p.His123Gln (NM_001317184.2); c.369C>G (LRG_301t1); c.-1247C>G (NM_001317185.2); c.-1451C>G (NM_001317186.2); short protein forms H123Q.
Identifiers: ClinVar variation 186880 (VCV000186880.23), dbSNP rs778954591, ClinGen allele CA196118.

ClinVar aggregate classification (germline): Conflicting classifications of pathogenicity. Review status: criteria provided, conflicting classifications (1 of 4 stars). 6 submissions from 6 submitters: Uncertain significance (4); Benign (1). 1 of the submissions does not count toward it. Last evaluated 2025-09-15.

Conditions:
Hereditary cancer-predisposing syndrome. Also called: Hereditary Cancer Syndrome; Neoplastic Syndromes, Hereditary; Tumor predisposition; Hereditary neoplastic syndrome. Identifiers: Orphanet 140162, MedGen C0027672, MeSH D009386, MONDO:0015356.
Hereditary diffuse gastric adenocarcinoma (HDGC). Also called: DIFFUSE GASTRIC AND LOBULAR BREAST CANCER SYNDROME. Identifiers: Orphanet 26106, MedGen C1708349, MONDO:0007648, OMIM 137215.
Malignant tumor of breast. Also called: Cancer breast; Malignant breast neoplasm. Identifiers: MedGen C0006142, MONDO:0007254. Disease mechanism: loss of function.

Allele frequency attached by ClinVar (database versions not stated): gnomAD exomes below 0.00001; TOPMed below 0.00001; ExAC 0.00001; gnomAD 0.00001.
gnomAD v4.1: 4 of 1,613,562 alleles (0.00025%); highest among the groups gnomAD compares: Middle Eastern, 0.033%; no homozygotes.

Submissions (6):

Quest Diagnostics Nichols Institute San Juan Capistrano
Classification: Uncertain significance. Last evaluated: 2025-09-15. Review status: criteria provided, single submitter. Criteria: Quest Diagnostics criteria. Collection method: clinical testing. Allele origin: unknown.
Comment: The CDH1 c.369C>G (p.His123Gln) variant has been reported in the published literature in individuals with a personal and/or family history of breast cancer (PMID: 33471991 (2021), 32885271 (2021), 30306255 (2018), see also LOVD) and an individual with adrenocortical carcinoma (PMID: 26580448 (2015)). The frequency of this variant in the general population (Genome Aggregation Database) is uninformative in the assessment of its pathogenicity. Analysis of this variant using bioinformatics tools for the prediction of the effect of amino acid changes on protein structure and function yielded predictions that this variant is benign. Based on the available information, we are unable to determine the clinical significance of this variant.

Ambry Genetics
Classification: Benign for Hereditary cancer-predisposing syndrome. Last evaluated: 2024-11-05. Review status: criteria provided, single submitter. Criteria: Ambry Variant Classification Scheme 2023. Collection method: clinical testing. Allele origin: germline.

Labcorp Genetics (formerly Invitae), Labcorp
Classification: Uncertain significance for Hereditary diffuse gastric adenocarcinoma. Last evaluated: 2024-10-24. Review status: criteria provided, single submitter. Criteria: Invitae Variant Classification Sherloc (09022015). Collection method: clinical testing. Allele origin: germline.
Comment: This sequence change replaces histidine, which is basic and polar, with glutamine, which is neutral and polar, at codon 123 of the CDH1 protein (p.His123Gln). This variant is present in population databases (rs778954591, gnomAD 0.0009%). This variant has not been reported in the literature in individuals affected with CDH1-related conditions. ClinVar contains an entry for this variant (Variation ID: 186880). An algorithm developed to predict the effect of missense changes on protein structure and function outputs the following: PolyPhen-2: "Benign". The glutamine amino acid residue is found in multiple mammalian species, which suggests that this missense change does not adversely affect protein function. In summary, the available evidence is currently insufficient to determine the role of this variant in disease. Therefore, it has been classified as a Variant of Uncertain Significance.

GeneDx
Classification: Uncertain significance. Last evaluated: 2023-05-11. Review status: criteria provided, single submitter. Criteria: GeneDx Variant Classification Process June 2021. Collection method: clinical testing. Allele origin: germline. Affected: yes.
Comment: Not observed at significant frequency in large population cohorts (gnomAD); In silico analysis supports that this missense variant does not alter protein structure/function; Observed in individuals with breast cancer and adrenocortical carcinoma (Zhang et al., 2015; Bonache et al., 2018; Lerner-Ellis et al., 2021); This variant is associated with the following publications: (PMID: 15235021, 26580448, 32885271, 30306255)

Color Diagnostics, LLC DBA Color Health
Classification: Uncertain significance for Hereditary cancer-predisposing syndrome. Last evaluated: 2022-03-23. Review status: criteria provided, single submitter. Criteria: ACMG Guidelines, 2015. Collection method: clinical testing. Allele origin: germline.
Comment: This missense variant replaces histidine with glutamine at codon 123 of the CDH1 protein. To our knowledge, functional studies have not been reported for this variant. This variant has not been reported in individuals affected with hereditary cancer in the literature. This variant has been identified in 1/250664 chromosomes in the general population by the Genome Aggregation Database (gnomAD). The available evidence is insufficient to determine the role of this variant in disease conclusively. Therefore, this variant is classified as a Variant of Uncertain Significance.

Department of Pathology and Laboratory Medicine, Sinai Health System
Classification: Uncertain significance for Malignant tumor of breast. Review status: no assertion criteria provided. Collection method: clinical testing. Allele origin: unknown. Affected: yes. Observed: 1 variant allele. Study: The Canadian Open Genetics Repository (COGR). Not counted in ClinVar's aggregate classification.
Comment: The CDH1 p.His123Gln variant was not identified in the literature nor was it identified in the following databases: Cosmic, MutDB, or Zhejiang Colon Cancer Database. The variant was identified in dbSNP (ID: rs778954591) as With Uncertain significance allele, ClinVar (classified as uncertain significance by Ambry Genetics). The variant was identified in control databases in 1 of 245586 chromosomes at a frequency of 0.000004 (Genome Aggregation Database Feb 27, 2017). It was observed in the European Non-Finnish population in 1 of 111136 chromosomes (freq: 0.00001); it was not observed in the African, Other, Latino, Ashkenazi Jewish, East Asian, European Finnish, and South Asian populations. The p.His123 residue is conserved in mammals but not in more distantly related organisms however computational analyses (PolyPhen-2, SIFT, AlignGVGD, BLOSUM, MutationTaster) do not suggest a high likelihood of impact to the protein; this information is not predictive enough to rule out pathogenicity. The variant occurs outside of the splicing consensus sequence and 3 of 5 in silico or computational prediction software programs (SpliceSiteFinder, MaxEntScan, NNSPLICE, GeneSplicer, HumanSpliceFinder) predict a greater than 10% difference in splicing. However, this information is not predictive enough to assume pathogenicity. In summary, based on the above information, the clinical significance of this variant cannot be determined with certainty at this time. This variant is classified as a variant of uncertain significance.

Literature cited by the submitters: PubMed 32885271 (cited by Quest Diagnostics Nichols Institute San Juan Capistrano and Ambry Genetics); PubMed 30306255 (cited by Quest Diagnostics Nichols Institute San Juan Capistrano and Ambry Genetics); PubMed 26580448 (cited by Quest Diagnostics Nichols Institute San Juan Capistrano and Ambry Genetics); PubMed 33471991 (cited by Quest Diagnostics Nichols Institute San Juan Capistrano).